The following is an entry in ClinVar:

NM_001368067.1(LDB3):c.322-1G>A

Genes: LDB3 (LIM domain binding 3; plus strand), LOC110121486 (VISTA enhancer hs2143; plus strand). Cytogenetic location: 10q23.2.
Variant type: single nucleotide variant.
Coding change: c.322-1G>A on transcript NM_001368067.1 (MANE Plus Clinical); the canonical splice acceptor site of the intron before coding-DNA position 322, G replaced by A.
Molecular consequence: splice acceptor variant. On other transcripts: intron variant (7).
Genome position (GRCh38, 1-based): chr10:86,685,677, G>A. VCF-style: chr10-86685677-G-A. GRCh37 (hg19) VCF-style: chr10-88445434-G-A.
Other names: c.689+3874G>A (NM_001368064.1, NM_001368063.1, NM_007078.3 and 2 more transcripts); c.322-1G>A (NM_001368068.1, NM_001368066.1, NM_001080114.2 and 1 more transcripts); c.690-1392G>A (NM_001171610.2, NM_001171611.2).
Identifiers: ClinVar variation 2797975 (VCV002797975.4), dbSNP rs2492625887, ClinGen allele CA377440878.
Genomic context (GRCh38, chr10:86,685,677, plus strand): 5'-AACTGCCCCTGGTGGAGCCTCTCTCTGACCACCCTGTCTTCTTTGCCCTTTTCCTCCCCA[G>A]GTGGTAGTCAACTCTCCAGCCAAGTTAGTATCAAAGGACAGCATGTGTGTGCGCTTGCGT-3'

ClinVar aggregate classification (germline): Uncertain significance. Review status: criteria provided, multiple submitters, no conflicts (2 of 4 stars). 2 submissions from 2 submitters: Uncertain significance (2). Last evaluated 2024-09-10.

Conditions:
Myofibrillar myopathy 4. Also called: Zaspopathy (type). Identifiers: Orphanet 98912, MedGen C4721886, MONDO:0012277, OMIM 609452.

Submissions (2):

GeneDx
Classification: Uncertain significance. Last evaluated: 2024-09-10. Review status: criteria provided, single submitter. Criteria: GeneDx Variant Classification Process June 2021. Collection method: clinical testing. Allele origin: germline. Affected: yes.
Comment: Has not been previously published as pathogenic or benign to our knowledge; Not observed at significant frequency in large population cohorts (gnomAD); Canonical splice site variant in a gene or region of a gene for which loss of function is not a well-established mechanism of disease

Labcorp Genetics (formerly Invitae), Labcorp
Classification: Uncertain significance for Myofibrillar myopathy 4. Last evaluated: 2024-01-02. Review status: criteria provided, single submitter. Criteria: Invitae Variant Classification Sherloc (09022015). Collection method: clinical testing. Allele origin: germline.
Comment: This sequence change affects an acceptor splice site in intron 3 of the LDB3 gene. While this variant is not anticipated to result in nonsense mediated decay, it likely alters RNA splicing and results in a disrupted protein product. This variant is not present in population databases (gnomAD no frequency). This variant has not been reported in the literature in individuals affected with LDB3-related conditions. Variants that disrupt the consensus splice site are a relatively common cause of aberrant splicing (PMID: 17576681, 9536098). Algorithms developed to predict the effect of sequence changes on RNA splicing suggest that this variant may disrupt the consensus splice site. In summary, the available evidence is currently insufficient to determine the role of this variant in disease. Therefore, it has been classified as a Variant of Uncertain Significance.

Literature cited by the submitters: PubMed 17576681 (cited by Labcorp Genetics (formerly Invitae), Labcorp); PubMed 9536098 (cited by Labcorp Genetics (formerly Invitae), Labcorp).